The following is an entry in ClinVar:

NM_005431.2(XRCC2):c.662T>C (p.Ile221Thr)

Gene: XRCC2 (X-ray repair cross complementing 2; minus strand). Cytogenetic location: 7q36.1.
Variant type: single nucleotide variant.
Coding change: c.662T>C on transcript NM_005431.2 (MANE Select); coding-DNA position 662, T replaced by C.
Protein change: p.Ile221Thr; replaces isoleucine 221 with threonine.
Molecular consequence: missense variant.
Genome position (GRCh38, 1-based): chr7:152,648,823, A>G on the plus strand (T>C on the coding strand, the complement: XRCC2 is on the minus strand). VCF-style: chr7-152648823-A-G. GRCh37 (hg19) VCF-style: chr7-152345908-A-G.
Other names: short protein forms I221T.
Identifiers: ClinVar variation 409968 (VCV000409968.19), dbSNP rs3218537, ClinGen allele CA4582313.

ClinVar aggregate classification (germline): Conflicting classifications of pathogenicity. Review status: criteria provided, conflicting classifications (1 of 4 stars). 6 submissions from 6 submitters: Uncertain significance (4); Likely benign (2). Last evaluated 2025-09-21.

Conditions:
Hereditary cancer-predisposing syndrome. Also called: Tumor predisposition; Hereditary Cancer Syndrome; Hereditary neoplastic syndrome; Neoplastic Syndromes, Hereditary. Identifiers: Orphanet 140162, MedGen C0027672, MeSH D009386, MONDO:0015356.
Fanconi anemia complementation group U. Identifiers: MedGen C4310651, MONDO:0014987, OMIM 617247.

Allele frequency attached by ClinVar (database versions not stated): gnomAD exomes 0.00002 and 0.00005; ExAC 0.00006; TOPMed 0.00013; ESP Exome Variant Server 0.00015; gnomAD 0.00015 and 0.00016; 1000 Genomes Project 0.00060; 1000 Genomes Project 30x 0.00062.
gnomAD v4.1: 50 of 1,614,012 alleles (0.0031%); highest among the groups gnomAD compares: African/African-American, 0.061%; no homozygotes.

Submissions (6):

Labcorp Genetics (formerly Invitae), Labcorp
Classification: Uncertain significance. Last evaluated: 2025-09-21. Review status: criteria provided, single submitter. Criteria: Invitae Variant Classification Sherloc (09022015). Collection method: clinical testing. Allele origin: germline.
Comment: This sequence change replaces isoleucine, which is neutral and non-polar, with threonine, which is neutral and polar, at codon 221 of the XRCC2 protein (p.Ile221Thr). This variant is present in population databases (rs3218537, gnomAD 0.07%), and has an allele count higher than expected for a pathogenic variant. This variant has not been reported in the literature in individuals affected with XRCC2-related conditions. ClinVar contains an entry for this variant (Variation ID: 409968). An algorithm developed to predict the effect of missense changes on protein structure and function outputs the following: PolyPhen-2: "Benign". The threonine amino acid residue is found in multiple mammalian species, which suggests that this missense change does not adversely affect protein function. In summary, the available evidence is currently insufficient to determine the role of this variant in disease. Therefore, it has been classified as a Variant of Uncertain Significance.

Quest Diagnostics Nichols Institute San Juan Capistrano
Classification: Likely benign. Last evaluated: 2025-02-15. Review status: criteria provided, single submitter. Criteria: Quest Diagnostics criteria. Collection method: clinical testing. Allele origin: unknown.

St. Jude Molecular Pathology, St. Jude Children's Research Hospital
Classification: Uncertain significance for Fanconi anemia complementation group U. Last evaluated: 2024-08-05. Review status: criteria provided, single submitter. Criteria: St. Jude Assertion Criteria 2020. Collection method: clinical testing. Allele origin: germline.
Comment: The XRCC2 c.662T>C (p.Ile221Thr) missense change has a maximum subpopulation frequency of 0.072% in gnomAD v2.1.1. The in silico tool REVEL predicts a benign effect on protein function, but to our knowledge this prediction has not been confirmed by functional studies. To our knowledge, this variant has not been reported in individuals with XRCC2-associated Fanconi anemia.In summary, the evidence currently available is insufficient to determine the clinical significance of this variant. It has therefore been classified as of uncertain significance.

Genetic Services Laboratory, University of Chicago
Classification: Uncertain significance. Last evaluated: 2023-04-28. Review status: criteria provided, single submitter. Criteria: ACMG Guidelines, 2015. Collection method: clinical testing. Allele origin: germline. Affected: no.
Comment: DNA sequence analysis of the XRCC2 gene demonstrated a sequence change, c.662T>C, in exon 3 that results in an amino acid change, p.Ile221Thr. This sequence change does not appear to have been previously described in individuals with XRCC2-related disorders. This sequence change has been described in the gnomAD database with a frequency of 0.007% in the overall population (dbSNP rs3218537). The p.Ile221Thr change affects a poorly conserved amino acid residue located in a domain of the XRCC2 protein that is known to be functional. The p.Ile221Thr substitution appears to be benign using several in-silico pathogenicity prediction tools (SIFT, PolyPhen2, Align GVGD, REVEL). Due to insufficient evidences and the lack of functional studies, the clinical significance of the p.Ile221Thr change remains unknown at this time.

Ambry Genetics
Classification: Likely benign for Hereditary cancer-predisposing syndrome. Last evaluated: 2022-08-30. Review status: criteria provided, single submitter. Criteria: Ambry Variant Classification Scheme 2023. Collection method: clinical testing. Allele origin: germline.

GeneDx
Classification: Uncertain significance. Last evaluated: 2017-03-03. Review status: criteria provided, single submitter. Criteria: GeneDx Variant Classification (06012015). Collection method: clinical testing. Allele origin: germline. Affected: yes.
Comment: This variant is denoted XRCC2 c.662T>C at the cDNA level, p.Ile221Thr (I221T) at the protein level, and results in the change of an Isoleucine to a Threonine (ATA>ACA). This variant has not, to our knowledge, been published in the literature as pathogenic or benign. XRCC2 Ile221Thr was not observed at a significant allele frequency in the NHLBI Exome Sequencing Project or 1000 Genomes. Since Isoleucine and Threonine differ in polarity, charge, size or other properties, this is considered a non-conservative amino acid substitution. XRCC2 Ile221Thr occurs at a position that is not conserved, and is located within the ATPase domain (Kim and Choi 2011). In silico analyses predict that this variant is unlikely to alter protein structure or function. Based on currently available evidence, it is unclear whether XRCC2 Ile221Thr is a pathogenic or benign variant. We consider it to be a variant of uncertain significance.

Literature cited by the submitters: PubMed 28864920 (cited by Quest Diagnostics Nichols Institute San Juan Capistrano and Ambry Genetics); PubMed 31911633 (cited by Ambry Genetics).